The following is an entry in ClinVar:

NM_000038.6(APC):c.7456C>T (p.Pro2486Ser)

Gene: APC (APC regulator of Wnt signaling pathway; plus strand). Cytogenetic location: 5q22.2.
Variant type: single nucleotide variant.
Coding change: c.7456C>T on transcript NM_000038.6 (MANE Select); coding-DNA position 7456, C replaced by T.
Protein change: p.Pro2486Ser; replaces proline 2486 with serine.
Molecular consequence: missense variant.
Genome position (GRCh38, 1-based): chr5:112,843,050, C>T. VCF-style: chr5-112843050-C-T. GRCh37 (hg19) VCF-style: chr5-112178747-C-T.
Other names: c.7456C>T, p.Pro2486Ser (NM_001127510.3, NM_001354895.2); c.7402C>T, p.Pro2468Ser (NM_001127511.3); c.7510C>T, p.Pro2504Ser (NM_001354896.2); c.7486C>T, p.Pro2496Ser (NM_001354897.2); c.7381C>T, p.Pro2461Ser (NM_001354898.2); c.7372C>T, p.Pro2458Ser (NM_001354899.2); c.7333C>T, p.Pro2445Ser (NM_001354900.2); c.7279C>T, p.Pro2427Ser (NM_001354901.2); and 5 more; short protein forms P2203S, P2486S, P2360S, P2385S, P2427S, P2395S, P2458S, P2461S.
Identifiers: ClinVar variation 827063 (VCV000827063.16), dbSNP rs768537235, ClinGen allele CA048101.

ClinVar aggregate classification (germline): Conflicting classifications of pathogenicity. Review status: criteria provided, conflicting classifications (1 of 4 stars). 4 submissions from 4 submitters: Uncertain significance (3); Likely benign (1). Last evaluated 2025-12-21.

Conditions:
Hereditary cancer-predisposing syndrome. Also called: Neoplastic Syndromes, Hereditary; Tumor predisposition; Hereditary neoplastic syndrome; Hereditary Cancer Syndrome. Identifiers: Orphanet 140162, MedGen C0027672, MeSH D009386, MONDO:0015356.
Classic or attenuated familial adenomatous polyposis. Identifiers: MedGen CN372698, MONDO:0021057.
Familial adenomatous polyposis 1 (FAP1). Also called: POLYPOSIS, ADENOMATOUS INTESTINAL; FAMILIAL ADENOMATOUS POLYPOSIS 1, ATTENUATED. Identifiers: MedGen C2713442, MONDO:0021056, OMIM 175100. Disease mechanism: loss of function.

Allele frequency attached by ClinVar (database versions not stated): gnomAD exomes 0.00001 and below 0.00001; TOPMed 0.00001; ExAC 0.00001; gnomAD 0.00001.

Submissions (4):

Labcorp Genetics (formerly Invitae), Labcorp
Classification: Uncertain significance for Familial adenomatous polyposis 1. Last evaluated: 2025-12-21. Review status: criteria provided, single submitter. Criteria: Invitae Variant Classification Sherloc (09022015). Collection method: clinical testing. Allele origin: germline.
Comment: This sequence change replaces proline, which is neutral and non-polar, with serine, which is neutral and polar, at codon 2486 of the APC protein (p.Pro2486Ser). This variant is present in population databases (rs768537235, gnomAD 0.007%). This variant has not been reported in the literature in individuals affected with APC-related conditions. ClinVar contains an entry for this variant (Variation ID: 827063). Invitae Evidence Modeling of protein sequence and biophysical properties (such as structural, functional, and spatial information, amino acid conservation, physicochemical variation, residue mobility, and thermodynamic stability) indicates that this missense variant is not expected to disrupt APC protein function with a negative predictive value of 95%. In summary, the available evidence is currently insufficient to determine the role of this variant in disease. Therefore, it has been classified as a Variant of Uncertain Significance.

All of Us Research Program, National Institutes of Health
Classification: Uncertain significance for Classic or attenuated familial adenomatous polyposis. Last evaluated: 2024-09-13. Review status: criteria provided, single submitter. Criteria: ACMG Guidelines, 2015. Collection method: clinical testing. Allele origin: germline. Inheritance: Autosomal dominant inheritance. Observed: 1 variant allele, 1 heterozygote.
Comment: This missense variant replaces proline with serine at codon 2486 of the APC protein. Computational prediction suggests that this variant may not impact protein structure and function (internally defined REVEL score threshold <= 0.5, PMID: 27666373). To our knowledge, functional studies have not been reported for this variant. This variant has not been reported in individuals affected with APC-related disorders in the literature. This variant has been identified in 2/251252 chromosomes in the general population by the Genome Aggregation Database (gnomAD). The available evidence is insufficient to determine the role of this variant in disease conclusively. Therefore, this variant is classified as a Variant of Uncertain Significance.

This study involves interpretation of variants in research participants for the purpose of population health screening. Participant phenotype was not available at the time of variant classification. Additional details can be found in publication PMID: 35346344, PMCID: PMC8962531

Baylor Genetics
Classification: Uncertain significance for Familial adenomatous polyposis 1. Last evaluated: 2023-08-23. Review status: criteria provided, single submitter. Criteria: ACMG Guidelines, 2015. Collection method: clinical testing. Allele origin: unknown.

Ambry Genetics
Classification: Likely benign for Hereditary cancer-predisposing syndrome. Last evaluated: 2022-05-27. Review status: criteria provided, single submitter. Criteria: Ambry Variant Classification Scheme 2023. Collection method: clinical testing. Allele origin: germline.